The following is an entry in ClinVar:

NM_004393.6(DAG1):c.751dup (p.Val251fs)

Gene: DAG1 (dystroglycan 1; plus strand). Cytogenetic location: 3p21.31.
Variant type: Duplication.
Coding change: c.751dup on transcript NM_004393.6 (MANE Select); coding-DNA position 751, one base duplicated (G; older notation c.751dupG).
Protein change: p.Val251fs; shifts the reading frame from valine 251.
Molecular consequence: frameshift variant.
Genome position (GRCh38, 1-based): chr3:49,531,262, G duplicated; the last of 2 consecutive G bases (chr3:49,531,261-49,531,262); duplicating either gives the same sequence. VCF-style (leftmost placement, unchanged base first): chr3-49531260-A-AG. GRCh37 (hg19) VCF-style: chr3-49568693-A-AG.
Other names: c.751dup, p.Val251fs (NM_001165928.4, NM_001177634.3, NM_001177635.3 and 9 more transcripts); short protein forms V251fs.
Identifiers: ClinVar variation 1000075 (VCV001000075.6), dbSNP rs1575410881, ClinGen allele CA1363532049.

ClinVar aggregate classification (germline): Uncertain significance (1 of 4 stars; one submission).

Conditions:
Autosomal recessive limb-girdle muscular dystrophy type 2P. Also called: MUSCULAR DYSTROPHY-DYSTROGLYCANOPATHY, LIMB-GIRDLE, DAG1-RELATED; Limb-Girdle Muscular Dystrophy Type 9C; MUSCULAR DYSTROPHY, LIMB-GIRDLE, TYPE 2P. Identifiers: Orphanet 280333, MedGen C4511963, MONDO:0013440, OMIM 613818.
Muscular dystrophy-dystroglycanopathy (congenital with brain and eye anomalies), type A9. Also called: Muscular dystrophy-dystroglycanopathy (congenital with brain and eye anomalies), type a, 9; WALKER-WARBURG SYNDROME OR MUSCLE-EYE BRAIN DISEASE, DAG1-RELATED. Identifiers: Orphanet 370997, Orphanet 899, MedGen C4225291, MONDO:0014683, OMIM 616538.

Submission:

Labcorp Genetics (formerly Invitae), Labcorp
Classification: Uncertain significance for Autosomal recessive limb-girdle muscular dystrophy type 2P; Muscular dystrophy-dystroglycanopathy (congenital with brain and eye anomalies), type A9. Last evaluated: 2022-08-16. Review status: criteria provided, single submitter. Criteria: Invitae Variant Classification Sherloc (09022015). Collection method: clinical testing. Allele origin: germline.
Comment: In summary, the available evidence is currently insufficient to determine the role of this variant in disease. Therefore, it has been classified as a Variant of Uncertain Significance. ClinVar contains an entry for this variant (Variation ID: 1000075). This variant has not been reported in the literature in individuals affected with DAG1-related conditions. This variant is not present in population databases (gnomAD no frequency). This sequence change creates a premature translational stop signal (p.Val251Glyfs*23) in the DAG1 gene. While this is not anticipated to result in nonsense mediated decay, it is expected to disrupt the last 645 amino acid(s) of the DAG1 protein.